The following is an entry in ClinVar:

ClinVar aggregate classification (germline): Uncertain significance. Review status: criteria provided, multiple submitters, no conflicts (2 of 4 stars). 2 submissions from 2 submitters: Uncertain significance (2). Last evaluated 2024-12-23.

Conditions:
Hereditary cancer-predisposing syndrome. Also called: Neoplastic Syndromes, Hereditary; Hereditary neoplastic syndrome; Tumor predisposition; Hereditary Cancer Syndrome. Identifiers: Orphanet 140162, MedGen C0027672, MeSH D009386, MONDO:0015356.
Dilated cardiomyopathy 1GG (CMD1GG). Identifiers: Orphanet 154, MedGen C3150898, MONDO:0013339, OMIM 613642.

Submissions (2):

Ambry Genetics
Classification: Uncertain significance for Hereditary cancer-predisposing syndrome. Last evaluated: 2024-12-23. Review status: criteria provided, single submitter. Criteria: Ambry Variant Classification Scheme 2023. Collection method: clinical testing. Allele origin: germline.
Comment: The p.S208F variant (also known as c.623C>T), located in coding exon 6 of the SDHA gene, results from a C to T substitution at nucleotide position 623. The serine at codon 208 is replaced by phenylalanine, an amino acid with highly dissimilar properties. This amino acid position is conserved. In addition, this alteration is predicted to be deleterious by in silico analysis. Based on the available evidence, the clinical significance of this variant remains unclear.

Baylor Genetics
Classification: Uncertain significance for Dilated cardiomyopathy 1GG. Last evaluated: 2023-07-12. Review status: criteria provided, single submitter. Criteria: ACMG Guidelines, 2015. Collection method: clinical testing. Allele origin: unknown.

NM_004168.4(SDHA):c.623C>T (p.Ser208Phe)

Gene: SDHA (succinate dehydrogenase complex flavoprotein subunit A; plus strand). Cytogenetic location: 5p15.33.
Variant type: single nucleotide variant.
Coding change: c.623C>T on transcript NM_004168.4 (MANE Select); coding-DNA position 623, C replaced by T.
Protein change: p.Ser208Phe; replaces serine 208 with phenylalanine.
Molecular consequence: missense variant.
Genome position (GRCh38, 1-based): chr5:228,186, C>T. VCF-style: chr5-228186-C-T. GRCh37 (hg19) VCF-style: chr5-228301-C-T.
Other names: c.623C>T (NM_004168.2); c.479C>T, p.Ser160Phe (NM_001294332.2); c.623C>T, p.Ser208Phe (NM_001330758.2); short protein forms S160F, S208F.
Identifiers: ClinVar variation 2678622 (VCV002678622.2), dbSNP rs2126558052, ClinGen allele CA359010785.